The following is an entry in ClinVar:

NM_182961.4(SYNE1):c.10608G>A (p.Gln3536=)

Gene: SYNE1 (spectrin repeat containing nuclear envelope protein 1; minus strand). Cytogenetic location: 6q25.2.
Variant type: single nucleotide variant.
Coding change: c.10608G>A on transcript NM_182961.4 (MANE Select); coding-DNA position 10608, G replaced by A.
Protein change: p.Gln3536=; no amino-acid change (glutamine 3536 retained).
Molecular consequence: synonymous variant.
Genome position (GRCh38, 1-based): chr6:152,358,373, C>T on the plus strand (G>A on the coding strand, the complement: SYNE1 is on the minus strand). VCF-style: chr6-152358373-C-T. GRCh37 (hg19) VCF-style: chr6-152679508-C-T.
Other names: c.10629G>A, p.Gln3543= (NM_033071.5).
Identifiers: ClinVar variation 859570 (VCV000859570.7), dbSNP rs1246237055, ClinGen allele CA452753941.

ClinVar aggregate classification (germline): Uncertain significance (1 of 4 stars; one submission).

Conditions:
Emery-Dreifuss muscular dystrophy 4, autosomal dominant (EDMD4). Also called: EMERY-DREIFUSS MUSCULAR DYSTROPHY 4 WITH VARIABLE FEATURES. Identifiers: Orphanet 261, MedGen C2751807, MONDO:0013071, OMIM 612998.
Autosomal recessive ataxia, Beauce type. Also called: ATAXIA, RECESSIVE, OF BEAUCE; SYNE1 Deficiency; Spinocerebellar ataxia, autosomal recessive 8; SYNE1-Related Autosomal Recessive Cerebellar Ataxia. Identifiers: Orphanet 88644, MedGen C1853116, MONDO:0012549, OMIM 610743.

Allele frequency attached by ClinVar (database versions not stated): TOPMed below 0.00001; gnomAD exomes 0.00001.
gnomAD v4.1: 4 of 1,614,110 alleles (0.00025%); highest among the groups gnomAD compares: Middle Eastern, 0.033%; no homozygotes.

Submission:

Labcorp Genetics (formerly Invitae), Labcorp
Classification: Uncertain significance for Emery-Dreifuss muscular dystrophy 4, autosomal dominant; Autosomal recessive ataxia, Beauce type. Last evaluated: 2022-07-19. Review status: criteria provided, single submitter. Criteria: Invitae Variant Classification Sherloc (09022015). Collection method: clinical testing. Allele origin: germline.
Comment: In summary, the available evidence is currently insufficient to determine the role of this variant in disease. Therefore, it has been classified as a Variant of Uncertain Significance. Variants that disrupt the consensus splice site are a relatively common cause of aberrant splicing (PMID: 17576681, 9536098). Algorithms developed to predict the effect of sequence changes on RNA splicing suggest that this variant may create or strengthen a splice site. ClinVar contains an entry for this variant (Variation ID: 859570). This variant has not been reported in the literature in individuals affected with SYNE1-related conditions. This variant is present in population databases (no rsID available, gnomAD no frequency). This sequence change affects codon 3543 of the SYNE1 mRNA. It is a 'silent' change, meaning that it does not change the encoded amino acid sequence of the SYNE1 protein. This variant also falls at the last nucleotide of exon 66, which is part of the consensus splice site for this exon.

Literature cited by the submitters: PubMed 17576681; PubMed 9536098.